The following is an entry in ClinVar:

NM_206933.4(USH2A):c.13025C>T (p.Ser4342Phe)

Gene: USH2A (usherin; minus strand). Cytogenetic location: 1q41.
Variant type: single nucleotide variant.
Coding change: c.13025C>T on transcript NM_206933.4 (MANE Select); coding-DNA position 13025, C replaced by T.
Protein change: p.Ser4342Phe; replaces serine 4342 with phenylalanine.
Molecular consequence: missense variant.
Genome position (GRCh38, 1-based): chr1:215,674,886, G>A on the plus strand (C>T on the coding strand, the complement: USH2A is on the minus strand). VCF-style: chr1-215674886-G-A. GRCh37 (hg19) VCF-style: chr1-215848228-G-A.
Other names: short protein forms S4342F.
Identifiers: ClinVar variation 2805072 (VCV002805072.4), dbSNP rs2464897373, ClinGen allele CA344847776.

ClinVar aggregate classification (germline): Uncertain significance (1 of 4 stars; one submission).

Submission:

Labcorp Genetics (formerly Invitae), Labcorp
Classification: Uncertain significance. Last evaluated: 2024-10-24. Review status: criteria provided, single submitter. Criteria: Invitae Variant Classification Sherloc (09022015). Collection method: clinical testing. Allele origin: germline.
Comment: This sequence change replaces serine, which is neutral and polar, with phenylalanine, which is neutral and non-polar, at codon 4342 of the USH2A protein (p.Ser4342Phe). This variant is not present in population databases (gnomAD no frequency). This variant has not been reported in the literature in individuals affected with USH2A-related conditions. Invitae Evidence Modeling of protein sequence and biophysical properties (such as structural, functional, and spatial information, amino acid conservation, physicochemical variation, residue mobility, and thermodynamic stability) indicates that this missense variant is not expected to disrupt USH2A protein function with a negative predictive value of 95%. In summary, the available evidence is currently insufficient to determine the role of this variant in disease. Therefore, it has been classified as a Variant of Uncertain Significance.